The following is an entry in ClinVar:

NM_001040142.2(SCN2A):c.3719C>T (p.Thr1240Ile)

Gene: SCN2A (sodium voltage-gated channel alpha subunit 2; plus strand). Cytogenetic location: 2q24.3.
Variant type: single nucleotide variant.
Coding change: c.3719C>T on transcript NM_001040142.2 (MANE Select); coding-DNA position 3719, C replaced by T.
Protein change: p.Thr1240Ile; replaces threonine 1240 with isoleucine.
Molecular consequence: missense variant.
Genome position (GRCh38, 1-based): chr2:165,370,169, C>T. VCF-style: chr2-165370169-C-T. GRCh37 (hg19) VCF-style: chr2-166226679-C-T.
Other names: c.3719C>T, p.Thr1240Ile (NM_001040143.2, NM_001371246.1, NM_001371247.1 and 1 more transcripts); short protein forms T1240I.
Identifiers: ClinVar variation 1059086 (VCV001059086.11), dbSNP rs2105365169, ClinGen allele CA349027715.
Genomic context (GRCh38, chr2:165,370,169, plus strand): 5'-AATTTTTTGACTTACAGGCCTTTGAAGATATATACATTGAGCAGCGAAAAACCATTAAGA[C>T]CATGTTAGAATATGCTGACAAGGTTTTCACTTACATATTCATTCTGGAAATGCTGCTAAA-3'
Protein context (NP_001035232.1, residues 1230-1250): IYIEQRKTIK[Thr1240Ile]MLEYADKVFT

ClinVar aggregate classification (germline): Uncertain significance. Review status: criteria provided, multiple submitters, no conflicts (2 of 4 stars). 2 submissions from 2 submitters: Uncertain significance (2). Last evaluated 2024-07-10.

Conditions:
Seizures, benign familial infantile, 3 (BFIS3). Also called: CONVULSIONS, BENIGN FAMILIAL INFANTILE, 3; Familial neonatal seizures. Identifiers: Orphanet 140927, Orphanet 306, MedGen C1843140, MONDO:0011904, OMIM 607745.
Developmental and epileptic encephalopathy, 11 (DEE11). Also called: Early infantile epileptic encephalopathy 11. Identifiers: Orphanet 1934, MedGen C3150987, MONDO:0013388, OMIM 613721.

Submissions (2):

Revvity Omics, Revvity
Classification: Uncertain significance. Last evaluated: 2024-07-10. Review status: criteria provided, single submitter. Criteria: ACMG Guidelines, 2015. Collection method: clinical testing. Allele origin: germline.

Labcorp Genetics (formerly Invitae), Labcorp
Classification: Uncertain significance for Seizures, benign familial infantile, 3; Developmental and epileptic encephalopathy, 11. Last evaluated: 2024-04-22. Review status: criteria provided, single submitter. Criteria: Invitae Variant Classification Sherloc (09022015). Collection method: clinical testing. Allele origin: germline.
Comment: This sequence change replaces threonine, which is neutral and polar, with isoleucine, which is neutral and non-polar, at codon 1240 of the SCN2A protein (p.Thr1240Ile). This variant is not present in population databases (gnomAD no frequency). This variant has not been reported in the literature in individuals affected with SCN2A-related conditions. ClinVar contains an entry for this variant (Variation ID: 1059086). Advanced modeling of protein sequence and biophysical properties (such as structural, functional, and spatial information, amino acid conservation, physicochemical variation, residue mobility, and thermodynamic stability) performed at Invitae indicates that this missense variant is not expected to disrupt SCN2A protein function with a negative predictive value of 95%. In summary, the available evidence is currently insufficient to determine the role of this variant in disease. Therefore, it has been classified as a Variant of Uncertain Significance.